The following is an entry in ClinVar:

NM_000188.3(HK1):c.1931G>A (p.Arg644Lys)

Gene: HK1 (hexokinase 1; plus strand). Cytogenetic location: 10q22.1.
Variant type: single nucleotide variant.
Coding change: c.1931G>A on transcript NM_000188.3 (MANE Select); coding-DNA position 1931, G replaced by A.
Protein change: p.Arg644Lys; replaces arginine 644 with lysine.
Molecular consequence: missense variant.
Genome position (GRCh38, 1-based): chr10:69,386,414, G>A. VCF-style: chr10-69386414-G-A. GRCh37 (hg19) VCF-style: chr10-71146170-G-A.
Other names: c.1835G>A, p.Arg612Lys (NM_001322367.1); c.1943G>A, p.Arg648Lys (NM_001358263.1, NM_033497.3, NM_033498.3 and 1 more transcripts); c.1928G>A, p.Arg643Lys (NM_033496.3); c.1895G>A, p.Arg632Lys (NM_033500.2); c.2036G>A, p.Arg679Lys (NM_001322365.2); c.1847G>A, p.Arg616Lys (NM_001322366.1); short protein forms R612K, R616K, R632K, R643K, R644K, R648K, R679K.
Identifiers: ClinVar variation 3611476 (VCV003611476.2).

ClinVar aggregate classification (germline): Uncertain significance (1 of 4 stars; one submission).

gnomAD v4.1: 7 of 1,606,526 alleles (0.00044%); highest among the groups gnomAD compares: Admixed American, 0.012%; no homozygotes.

Submission:

Labcorp Genetics (formerly Invitae), Labcorp
Classification: Uncertain significance. Last evaluated: 2025-08-13. Review status: criteria provided, single submitter. Criteria: Invitae Variant Classification Sherloc (09022015). Collection method: clinical testing. Allele origin: germline.
Comment: This sequence change replaces arginine, which is basic and polar, with lysine, which is basic and polar, at codon 644 of the HK1 protein (p.Arg644Lys). This variant is present in population databases (no rsID available, gnomAD 0.01%). This variant has not been reported in the literature in individuals affected with HK1-related conditions. ClinVar contains an entry for this variant (Variation ID: 3611476). Invitae Evidence Modeling of protein sequence and biophysical properties (such as structural, functional, and spatial information, amino acid conservation, physicochemical variation, residue mobility, and thermodynamic stability) indicates that this missense variant is not expected to disrupt HK1 protein function with a negative predictive value of 80%. In summary, the available evidence is currently insufficient to determine the role of this variant in disease. Therefore, it has been classified as a Variant of Uncertain Significance.